The following is an entry in ClinVar:

ClinVar aggregate classification (germline): Uncertain significance. Review status: criteria provided, multiple submitters, no conflicts (2 of 4 stars). 2 submissions from 2 submitters: Uncertain significance (2). Last evaluated 2026-03-11.

Conditions:
Inborn genetic diseases. Identifiers: MedGen C0950123, MeSH D030342.
Early Myoclonic Encephalopathy. Identifiers: MedGen C0270855.

gnomAD v4.1: 22 of 1,613,968 alleles (0.0014%); highest among the groups gnomAD compares: South Asian, 0.0055%; no homozygotes.

Submissions (2):

Ambry Genetics
Classification: Uncertain significance for Inborn genetic diseases. Last evaluated: 2026-03-11. Review status: criteria provided, single submitter. Criteria: Ambry Variant Classification Scheme 2023. Collection method: clinical testing. Allele origin: germline.

Labcorp Genetics (formerly Invitae), Labcorp
Classification: Uncertain significance for Early Myoclonic Encephalopathy. Last evaluated: 2025-03-10. Review status: criteria provided, single submitter. Criteria: Invitae Variant Classification Sherloc (09022015). Collection method: clinical testing. Allele origin: germline.
Comment: This sequence change replaces methionine, which is neutral and non-polar, with isoleucine, which is neutral and non-polar, at codon 20 of the KCND2 protein (p.Met20Ile). This variant is present in population databases (rs746329293, gnomAD 0.003%). This variant has not been reported in the literature in individuals affected with KCND2-related conditions. Invitae Evidence Modeling of protein sequence and biophysical properties (such as structural, functional, and spatial information, amino acid conservation, physicochemical variation, residue mobility, and thermodynamic stability) indicates that this missense variant is not expected to disrupt KCND2 protein function with a negative predictive value of 95%. In summary, the available evidence is currently insufficient to determine the role of this variant in disease. Therefore, it has been classified as a Variant of Uncertain Significance.

NM_012281.3(KCND2):c.60G>A (p.Met20Ile)

Gene: KCND2 (potassium voltage-gated channel subfamily D member 2; plus strand). Cytogenetic location: 7q31.31.
Variant type: single nucleotide variant.
Coding change: c.60G>A on transcript NM_012281.3 (MANE Select); coding-DNA position 60, G replaced by A.
Protein change: p.Met20Ile; replaces methionine 20 with isoleucine.
Molecular consequence: missense variant.
Genome position (GRCh38, 1-based): chr7:120,274,692, G>A. VCF-style: chr7-120274692-G-A. GRCh37 (hg19) VCF-style: chr7-119914746-G-A.
Other names: c.60G>A (NM_012281.2); short protein forms M20I.
Identifiers: ClinVar variation 4697942 (VCV004697942.2).